The following is an entry in ClinVar:

NM_001165963.4(SCN1A):c.3884C>G (p.Ser1295Ter)

Genes: SCN1A (sodium voltage-gated channel alpha subunit 1; minus strand), LOC102724058 (uncharacterized LOC102724058; plus strand). Cytogenetic location: 2q24.3.
Variant type: single nucleotide variant.
Coding change: c.3884C>G on transcript NM_001165963.4 (MANE Select); coding-DNA position 3884, C replaced by G.
Protein change: p.Ser1295Ter; replaces serine 1295 with a stop codon.
Molecular consequence: nonsense. On other transcripts: non-coding transcript variant (1).
Genome position (GRCh38, 1-based): chr2:166,009,837, G>C on the plus strand (C>G on the coding strand, the complement: SCN1A is on the minus strand). VCF-style: chr2-166009837-G-C. GRCh37 (hg19) VCF-style: chr2-166866347-G-C.
Other names: c.3800C>G, p.Ser1267Ter (NM_001165964.3, NM_001353957.2, NM_001353958.2); c.3884C>G, p.Ser1295Ter (NM_001202435.3, NM_001353948.2); c.3851C>G, p.Ser1284Ter (NM_001353949.2, NM_001353950.2, NM_001353951.2 and 2 more transcripts); c.3848C>G, p.Ser1283Ter (NM_001353954.2, NM_001353955.2); c.3797C>G, p.Ser1266Ter (NM_001353960.2); c.1442C>G, p.Ser481Ter (NM_001353961.2); short protein forms S1284*, S1267*, S1266*, S1295*, S1283*, S481*.
Identifiers: ClinVar variation 1457645 (VCV001457645.7), dbSNP rs2105571577, ClinGen allele CA349053529.

ClinVar aggregate classification (germline): Pathogenic (1 of 4 stars; one submission).

Conditions:
Early-infantile DEE. Also called: Early infantile epileptic encephalopathy; Ohtahara syndrome; Early infantile epileptic encephalopathy with suppression bursts. Identifiers: Orphanet 1934, MedGen C0393706, MONDO:0800491.

Submission:

Labcorp Genetics (formerly Invitae), Labcorp
Classification: Pathogenic for Early-infantile DEE. Last evaluated: 2021-03-26. Review status: criteria provided, single submitter. Criteria: Invitae Variant Classification Sherloc (09022015). Collection method: clinical testing. Allele origin: germline.
Comment: This sequence change creates a premature translational stop signal (p.Ser1295*) in the SCN1A gene. It is expected to result in an absent or disrupted protein product. Loss-of-function variants in SCN1A are known to be pathogenic (PMID: 17347258, 18930999). This variant is not present in population databases (ExAC no frequency). This variant has not been reported in the literature in individuals with SCN1A-related conditions. For these reasons, this variant has been classified as Pathogenic.

Literature cited by the submitters: PubMed 17347258; PubMed 18930999.